The following is an entry in ClinVar:

ClinVar aggregate classification (germline): Benign/Likely benign. Review status: criteria provided, multiple submitters, no conflicts (2 of 4 stars). 10 submissions from 9 submitters: Benign (6); Likely benign (2). 2 of the submissions do not count toward it. Last evaluated 2026-01-28.

Conditions:
Retinal dystrophy. Also called: Inherited retinal dystrophy. Identifiers: Orphanet 71862, MedGen C0854723, MeSH D058499, MONDO:0019118, HP:0000556.
Retinitis pigmentosa 39 (RP39). Identifiers: Orphanet 791, MedGen C3151138, MONDO:0013436, OMIM 613809.
Usher syndrome type 2A. Also called: USHER SYNDROME, TYPE IIA; RETINAL DISEASE IN USHER SYNDROME TYPE IIA, MODIFIER OF. Identifiers: Orphanet 231178, Orphanet 886, MedGen C1848634, MONDO:0010169, OMIM 276901.

Allele frequency attached by ClinVar (database versions not stated): gnomAD 0.00217; TOPMed 0.00294; 1000 Genomes Project 0.00300; ESP Exome Variant Server 0.00331; 1000 Genomes Project 30x 0.00359.
gnomAD v4.1: 751 of 1,613,914 alleles (0.047%); highest among the groups gnomAD compares: African/African-American, 0.91%; 4 homozygotes.

Submissions (10):

Labcorp Genetics (formerly Invitae), Labcorp
Classification: Benign. Last evaluated: 2026-01-28. Review status: criteria provided, single submitter. Criteria: Invitae Variant Classification Sherloc (09022015). Collection method: clinical testing. Allele origin: germline.

Blueprint Genetics
Classification: Likely benign. Last evaluated: 2024-09-18. Review status: criteria provided, single submitter. Criteria: ACMG Guidelines, 2015. Collection method: clinical testing. Allele origin: germline.

ARUP Laboratories, Molecular Genetics and Genomics, ARUP Laboratories
Classification: Benign. Last evaluated: 2023-11-06. Review status: criteria provided, single submitter. Criteria: ARUP Molecular Germline Variant Investigation Process 2024. Collection method: clinical testing. Allele origin: germline.

Genome-Nilou Lab
Classification: Benign for Retinitis pigmentosa 39. Last evaluated: 2023-11-04. Review status: criteria provided, single submitter. Criteria: ACMG Guidelines, 2015. Collection method: clinical testing. Allele origin: germline. Affected: no.

Genome-Nilou Lab
Classification: Benign for Usher syndrome type 2A. Last evaluated: 2023-11-04. Review status: criteria provided, single submitter. Criteria: ACMG Guidelines, 2015. Collection method: clinical testing. Allele origin: germline. Affected: no.

Dept Of Ophthalmology, Nagoya University
Classification: Likely benign for Retinal dystrophy. Last evaluated: 2023-10-01. Review status: criteria provided, single submitter. Criteria: Submitter's publication. Collection method: research. Allele origin: germline. Affected: yes.

GeneDx
Classification: Benign. Last evaluated: 2015-03-03. Review status: criteria provided, single submitter. Criteria: GeneDx Variant Classification Process June 2021. Collection method: clinical testing. Allele origin: germline. Affected: yes.

Laboratory for Molecular Medicine, Mass General Brigham Personalized Medicine
Classification: Benign. Last evaluated: 2012-01-11. Review status: criteria provided, single submitter. Criteria: LMM Criteria. Collection method: clinical testing. Allele origin: germline. Observed: 4 variant alleles.
Comment: This variant is not expected to have clinical significance because it has been i dentified in 23/4552 (0.5%) control chromosomes from a broad, though clinically and racially unspecified population (dbSNP rs41311625) and the variant occurs at an amino acid position that is poorly conserved with His present in dog and hor se.

Clinical Genetics DNA and cytogenetics Diagnostics Lab, Erasmus MC, Erasmus Medical Center
Classification: Benign. Review status: no assertion criteria provided. Collection method: clinical testing. Allele origin: germline. Affected: yes. Study: VKGL Data-share Consensus. Not counted in ClinVar's aggregate classification.

Clinical Genetics, Academic Medical Center
Classification: Benign. Review status: no assertion criteria provided. Collection method: clinical testing. Allele origin: germline. Affected: yes. Study: VKGL Data-share Consensus. Not counted in ClinVar's aggregate classification.

NM_206933.4(USH2A):c.5993G>A (p.Arg1998His)

Gene: USH2A (usherin; minus strand). Cytogenetic location: 1q41.
Variant type: single nucleotide variant.
Coding change: c.5993G>A on transcript NM_206933.4 (MANE Select); coding-DNA position 5993, G replaced by A.
Protein change: p.Arg1998His; replaces arginine 1998 with histidine.
Molecular consequence: missense variant.
Genome position (GRCh38, 1-based): chr1:216,070,157, C>T on the plus strand (G>A on the coding strand, the complement: USH2A is on the minus strand). VCF-style: chr1-216070157-C-T. GRCh37 (hg19) VCF-style: chr1-216243499-C-T.
Other names: short protein forms R1998H.
Identifiers: ClinVar variation 48548 (VCV000048548.30), dbSNP rs143624066, ClinGen allele CA143536.